The following is an entry in ClinVar:

ClinVar aggregate classification (germline): Benign (1 of 4 stars; one submission).

Allele frequency attached by ClinVar (database versions not stated): gnomAD 0.00060; TOPMed 0.00060; 1000 Genomes Project 0.00339.
gnomAD v4.1: 341 of 398,270 alleles (0.086%); highest among the groups gnomAD compares: East Asian, 1%; 3 homozygotes.

Submission:

CeGaT Center for Human Genetics Tuebingen
Classification: Benign. Last evaluated: 2026-06-01. Review status: criteria provided, single submitter. Criteria: CeGaT Center For Human Genetics Tuebingen Variant Classification Criteria Version 2. Collection method: clinical testing. Allele origin: germline. Affected: yes. Observed: 5 variant alleles.
Comment: KCNQ1OT1: BS1, BS2; KCNQ1: BS1, BS2

NM_000218.3(KCNQ1):c.1393+32716A>G

Genes: KCNQ1 (potassium voltage-gated channel subfamily Q member 1; plus strand), KCNQ1OT1 (KCNQ1 opposite strand/antisense transcript 1; minus strand). Cytogenetic location: 11p15.5.
Variant type: single nucleotide variant.
Coding change: c.1393+32716A>G on transcript NM_000218.3 (MANE Select); 32716 bases into the intron after coding-DNA position 1393, A replaced by G.
Molecular consequence: intron variant.
Genome position (GRCh38, 1-based): chr11:2,621,570, A>G. VCF-style: chr11-2621570-A-G. GRCh37 (hg19) VCF-style: chr11-2642800-A-G.
Other names: c.1123+32716A>G (NM_001406837.1); c.1297+32716A>G (NM_001406836.1); c.853+32716A>G (NM_001406838.1); c.1012+32716A>G (NM_181798.2).
Identifiers: ClinVar variation 1879170 (VCV001879170.29), dbSNP rs188161792, ClinGen allele CA216362792.
Genomic context (GRCh38, chr11:2,621,570, plus strand): 5'-TGTTGATAATTTCTTTTGCTATGCAGAAGCTCTTTAGTTTACCACTGTGATCTCTTTGCT[A>G]TTGGTCTGTTCAGGCTTTCTATTCCTGATTTAATCTTAGCAGGTTGGTTTTTTTCTAGGA-3'